The following is an entry in ClinVar:

ClinVar aggregate classification (germline): Uncertain significance (1 of 4 stars; one submission).

Submission:

Labcorp Genetics (formerly Invitae), Labcorp
Classification: Uncertain significance. Last evaluated: 2022-02-10. Review status: criteria provided, single submitter. Criteria: Invitae Variant Classification Sherloc (09022015). Collection method: clinical testing. Allele origin: germline.
Comment: This variant has not been reported in the literature in individuals affected with RORB-related conditions. This sequence change replaces methionine, which is neutral and non-polar, with leucine, which is neutral and non-polar, at codon 85 of the RORB protein (p.Met85Leu). Information on the frequency of this variant in the gnomAD database is not available, as this variant may be reported differently in the database. Experimental studies and prediction algorithms are not available or were not evaluated, and the functional significance of this variant is currently unknown. In summary, the available evidence is currently insufficient to determine the role of this variant in disease. Therefore, it has been classified as a Variant of Uncertain Significance.

NM_006914.4(RORB):c.252_253delinsAC (p.Met85Leu)

Gene: RORB (RAR related orphan receptor B; plus strand). Cytogenetic location: 9q21.13.
Variant type: Indel.
Coding change: c.252_253delinsAC on transcript NM_006914.4 (MANE Select); coding-DNA positions 252 to 253, GA replaced by AC.
Protein change: p.Met85Leu; replaces methionine 85 with leucine.
Molecular consequence: missense variant.
Genome position (GRCh38, 1-based): chr9:74,642,430-74,642,431, GA replaced by AC. VCF-style: chr9-74642430-GA-AC. GRCh37 (hg19) VCF-style: chr9-77257346-GA-AC.
Other names: c.285_286delinsAC, p.Met96Leu (NM_001365023.1); short protein forms M85L, M96L.
Identifiers: ClinVar variation 1361543 (VCV001361543.6), dbSNP rs2118462135, ClinGen allele CA2573144688.